The following is an entry in ClinVar:

ClinVar aggregate classification (germline): Pathogenic (1 of 4 stars; one submission).

Submission:

Labcorp Genetics (formerly Invitae), Labcorp
Classification: Pathogenic. Last evaluated: 2025-09-04. Review status: criteria provided, single submitter. Criteria: Invitae Variant Classification Sherloc (09022015). Collection method: clinical testing. Allele origin: germline.
Comment: This sequence change creates a premature translational stop signal (p.Gly556Glufs*30) in the AGPS gene. It is expected to result in an absent or disrupted protein product. Loss-of-function variants in AGPS are known to be pathogenic (PMID: 21990100, 35070570, 35986576). This variant is not present in population databases (gnomAD no frequency). This variant has not been reported in the literature in individuals affected with AGPS-related conditions. For these reasons, this variant has been classified as Pathogenic.

Literature cited by the submitters: PubMed 21990100; PubMed 35070570; PubMed 35986576.

NM_003659.4(AGPS):c.1663_1666dup (p.Gly556fs)

Gene: AGPS (alkylglycerone phosphate synthase; plus strand). Cytogenetic location: 2q31.2.
Variant type: Duplication.
Coding change: c.1663_1666dup on transcript NM_003659.4 (MANE Select); coding-DNA positions 1663 to 1666, 4 bases duplicated (AAGG; older notation c.1663_1666dupAAGG).
Protein change: p.Gly556fs; shifts the reading frame from glycine 556.
Molecular consequence: frameshift variant.
Genome position (GRCh38, 1-based): chr2:177,513,874-177,513,877, AAGG duplicated; duplicating any 4 consecutive bases within chr2:177,513,873-177,513,877 gives the same sequence; the c. name uses the placement nearest the transcript's 3' end. VCF-style (leftmost placement, unchanged base first): chr2-177513872-A-AGAAG. GRCh37 (hg19) VCF-style: chr2-178378600-A-AGAAG.
Other names: short protein forms G556fs.
Identifiers: ClinVar variation 4808951 (VCV004808951.1).
Genomic context (GRCh38, chr2:177,513,872, plus strand): 5'-TTTTTAGGGTGGTAGATCTCTGTAGAAATGTAAAAGAAAGAATAACAAGGGAATGCAAAG[A>AGAAG]GAAGGGTGTTCAGTTTGCTCCTTTTTCTACATGCAGGTAAGTTTTAAAAATTGTTCTTAT-3'